The following is an entry in ClinVar:

NM_001177701.3(IFT27):c.234+2C>A

Genes: CACNG2-DT (CACNG2 divergent transcript; plus strand), IFT27 (intraflagellar transport 27; minus strand), LOC126863139 (CDK7 strongly-dependent group 2 enhancer GRCh37_chr22:37161913-37163112; plus strand). Cytogenetic location: 22q12.3.
Variant type: single nucleotide variant.
Coding change: c.234+2C>A on transcript NM_001177701.3 (MANE Select); the canonical splice donor site of the intron after coding-DNA position 234, C replaced by A.
Molecular consequence: splice donor variant.
Genome position (GRCh38, 1-based): chr22:36,766,136, G>T on the plus strand (C>A on the coding strand, the complement: IFT27 is on the minus strand). VCF-style: chr22-36766136-G-T. GRCh37 (hg19) VCF-style: chr22-37162180-G-T.
Other names: c.234+2C>A (NM_001363003.2); c.231+2C>A (NM_006860.5).
Identifiers: ClinVar variation 4998763 (VCV004998763.1).

ClinVar aggregate classification (germline): Uncertain significance (1 of 4 stars; one submission).

Conditions:
IFT27-related disorder. Also called: IFT27-related condition.

gnomAD v4.1: 1 of 1,613,244 alleles (0.000062%); highest among the groups gnomAD compares: Non-Finnish European, 0.000085%; no homozygotes.

Submission:

PreventionGenetics, part of Exact Sciences
Classification: Uncertain significance for IFT27-related condition. Last evaluated: 2025-01-11. Review status: criteria provided, single submitter. Criteria: ACMG Guidelines, 2015. Collection method: clinical testing. Allele origin: germline.
Comment: The IFT27 c.231+2C>A variant is predicted to interfere with splicing. Of note, this variant occurs at a GC donor site instead of a typical GT donor site and if exon skipping occurs would be an in-frame deletion. To our knowledge, this variant has not been reported in the literature or in a large population database (gnomAD), indicating this variant is rare. Although we suspect that this variant may be pathogenic, at this time, the clinical significance of this variant is uncertain due to the absence of conclusive functional and genetic evidence.